The following is an entry in ClinVar:

ClinVar aggregate classification (germline): Benign/Likely benign. Review status: criteria provided, multiple submitters, no conflicts (2 of 4 stars). 5 submissions from 5 submitters: Benign (1); Likely benign (4). Last evaluated 2026-06-09.

Conditions:
LAMP2-related disorder. Also called: LAMP2-related condition.
Cardiovascular phenotype. Identifiers: MedGen CN230736.
Danon disease. Also called: GSD IIb; LYSOSOMAL GLYCOGEN STORAGE DISEASE WITHOUT ACID MALTASE DEFICIENCY; ANTOPOL DISEASE; Glycogen Storage Disease Type IIb; PSEUDOGLYCOGENOSIS II. Identifiers: Orphanet 34587, MedGen C0878677, MONDO:0010281, OMIM 300257.

Allele frequency attached by ClinVar (database versions not stated): 1000 Genomes Project 30x 0.00021; 1000 Genomes Project 0.00026; ExAC 0.00002; gnomAD 0.00002; TOPMed 0.00003; gnomAD exomes 0.00009.
gnomAD v4.1: 97 of 1,201,626 alleles (0.0081%); highest among the groups gnomAD compares: Middle Eastern, 0.023%; no homozygotes.

Submissions (5):

Women's Health and Genetics/Laboratory Corporation of America, LabCorp
Classification: Likely benign. Last evaluated: 2026-06-09. Review status: criteria provided, single submitter. Criteria: LabCorp Variant Classification Summary - May 2015. Collection method: clinical testing. Allele origin: germline.
Comment: Variant summary: LAMP2 c.797G>A (p.Arg266His) results in a non-conservative amino acid change in the encoded protein sequence. Algorithms developed to predict the effect of missense changes on protein structure and function are either unavailable or do not agree on the potential impact of this missense change. The variant allele was found at a frequency of 7.1e-05 in 183372 control chromosomes. The observed variant frequency exceeds the estimated maximal expected allele frequency for disease-causing variants in LAMP2. c.797G>A has been observed in an individual affected with Dilated Cardiomyopathy (Mazzarotto_2020). This report does not provide unequivocal conclusions about association of the variant with disease. To our knowledge, no experimental evidence demonstrating an impact on protein function has been reported. The following publication has been ascertained in the context of this evaluation (PMID: 31983221). ClinVar contains an entry for this variant (Variation ID: 180866). Based on the evidence outlined above, the variant was classified as likely benign.

Labcorp Genetics (formerly Invitae), Labcorp
Classification: Benign for Danon disease. Last evaluated: 2026-01-14. Review status: criteria provided, single submitter. Criteria: Invitae Variant Classification Sherloc (09022015). Collection method: clinical testing. Allele origin: germline.

PreventionGenetics, part of Exact Sciences
Classification: Likely benign for LAMP2-related condition. Last evaluated: 2025-04-16. Review status: criteria provided, single submitter. Criteria: ACMG Guidelines, 2015. Collection method: clinical testing. Allele origin: germline.
Comment: This variant is classified as likely benign based on ACMG/AMP sequence variant interpretation guidelines (Richards et al. 2015 PMID: 25741868, with internal and published modifications).

Ambry Genetics
Classification: Likely benign for Cardiovascular phenotype. Last evaluated: 2025-01-18. Review status: criteria provided, single submitter. Criteria: Ambry Variant Classification Scheme 2023. Collection method: clinical testing. Allele origin: germline.

GeneDx
Classification: Likely benign. Last evaluated: 2019-03-26. Review status: criteria provided, single submitter. Criteria: GeneDx Variant Classification Process June 2021. Collection method: clinical testing. Allele origin: germline. Affected: yes.
Comment: This variant is associated with the following publications: (PMID: 31983221)

Literature cited by the submitters: PubMed 31983221 (cited by Women's Health and Genetics/Laboratory Corporation of America, LabCorp and Ambry Genetics).

NM_002294.3(LAMP2):c.797G>A (p.Arg266His)

Gene: LAMP2 (lysosome associated membrane protein 2; minus strand). Cytogenetic location: Xq24.
Variant type: single nucleotide variant.
Coding change: c.797G>A on transcript NM_002294.3 (MANE Select); coding-DNA position 797, G replaced by A.
Protein change: p.Arg266His; replaces arginine 266 with histidine.
Molecular consequence: missense variant.
Genome position (GRCh38, 1-based): chrX:120,446,372, C>T on the plus strand (G>A on the coding strand, the complement: LAMP2 is on the minus strand). VCF-style: chrX-120446372-C-T. GRCh37 (hg19) VCF-style: chrX-119580227-C-T.
Other names: p.R266H:CGT>CAT; c.797G>A, p.Arg266His (NM_001122606.1, NM_013995.2); short protein forms R266H.
Identifiers: ClinVar variation 180866 (VCV000180866.19), dbSNP rs200934351, ClinGen allele CA333625.